The following is an entry in ClinVar:

ClinVar aggregate classification (germline): Likely pathogenic (1 of 4 stars; one submission).

Submission:

Labcorp Genetics (formerly Invitae), Labcorp
Classification: Likely pathogenic. Last evaluated: 2022-04-08. Review status: criteria provided, single submitter. Criteria: Invitae Variant Classification Sherloc (09022015). Collection method: clinical testing. Allele origin: germline.
Comment: This sequence change affects an acceptor splice site in intron 5 of the SLC39A4 gene. It is expected to disrupt RNA splicing. Variants that disrupt the donor or acceptor splice site typically lead to a loss of protein function (PMID: 16199547), and loss-of-function variants in SLC39A4 are known to be pathogenic (PMID: 12955721). This variant is not present in population databases (gnomAD no frequency). This variant has not been reported in the literature in individuals affected with SLC39A4-related conditions. Algorithms developed to predict the effect of sequence changes on RNA splicing suggest that this variant may disrupt the consensus splice site. In summary, the currently available evidence indicates that the variant is pathogenic, but additional data are needed to prove that conclusively. Therefore, this variant has been classified as Likely Pathogenic.

Literature cited by the submitters: PubMed 16199547; PubMed 12955721.

NM_130849.4(SLC39A4):c.977-2A>C

Gene: SLC39A4 (solute carrier family 39 member 4; minus strand). Cytogenetic location: 8q24.3.
Variant type: single nucleotide variant.
Coding change: c.977-2A>C on transcript NM_130849.4 (MANE Select); the canonical splice acceptor site of the intron before coding-DNA position 977, A replaced by C.
Molecular consequence: splice acceptor variant.
Genome position (GRCh38, 1-based): chr8:144,414,436, T>G on the plus strand (A>C on the coding strand, the complement: SLC39A4 is on the minus strand). VCF-style: chr8-144414436-T-G. GRCh37 (hg19) VCF-style: chr8-145639820-T-G.
Other names: c.695-2A>C (NM_001374839.1); c.902-2A>C (NM_017767.3).
Identifiers: ClinVar variation 2122936 (VCV002122936.4), dbSNP rs1822078302, ClinGen allele CA372621420.